The following is an entry in ClinVar:

NM_013447.4(ADGRE2):c.1365C>A (p.Asn455Lys)

Gene: ADGRE2 (adhesion G protein-coupled receptor E2; minus strand). Cytogenetic location: 19p13.12.
Variant type: single nucleotide variant.
Coding change: c.1365C>A on transcript NM_013447.4 (MANE Select); coding-DNA position 1365, C replaced by A.
Protein change: p.Asn455Lys; replaces asparagine 455 with lysine.
Molecular consequence: missense variant.
Genome position (GRCh38, 1-based): chr19:14,755,705, G>T on the plus strand (C>A on the coding strand, the complement: ADGRE2 is on the minus strand). VCF-style: chr19-14755705-G-T. GRCh37 (hg19) VCF-style: chr19-14866517-G-T.
Other names: c.1365C>A, p.Asn455Lys (NM_001271052.1); c.1218C>A, p.Asn406Lys (NM_152916.2); c.1086C>A, p.Asn362Lys (NM_152917.2); short protein forms N406K, N362K, N455K.
Identifiers: ClinVar variation 4782244 (VCV004782244.1).
Genomic context (GRCh38, chr19:14,755,705, plus strand): 5'-AGCACTCACACGGTGGGAGAAGGTGAAGGTAACTGGGGAGCTGAGGTTTTGGGTGTCGTT[G>T]TTGCTCAGAAAGGCAGAGATCACATCTGAGAGCAGGATGGGGGAGCCGTCCTGCAGCAAG-3'
Protein context (NP_038475.2, residues 445-465): LSDVISAFLS[Asn455Lys]NDTQNLSSPV

ClinVar aggregate classification (germline): Uncertain significance (1 of 4 stars; one submission).

Submission:

Labcorp Genetics (formerly Invitae), Labcorp
Classification: Uncertain significance. Last evaluated: 2025-04-23. Review status: criteria provided, single submitter. Criteria: Invitae Variant Classification Sherloc (09022015). Collection method: clinical testing. Allele origin: germline.
Comment: This sequence change replaces asparagine, which is neutral and polar, with lysine, which is basic and polar, at codon 455 of the ADGRE2 protein (p.Asn455Lys). This variant is present in population databases (no rsID available, gnomAD 0.007%). This variant has not been reported in the literature in individuals affected with ADGRE2-related conditions. An algorithm developed to predict the effect of missense changes on protein structure and function (PolyPhen-2) suggests that this variant is likely to be tolerated. In summary, the available evidence is currently insufficient to determine the role of this variant in disease. Therefore, it has been classified as a Variant of Uncertain Significance.